The following is an entry in ClinVar:

NM_022455.5(NSD1):c.5116A>C (p.Asn1706His)

Gene: NSD1 (nuclear receptor binding SET domain protein 1; plus strand). Cytogenetic location: 5q35.3.
Variant type: single nucleotide variant.
Coding change: c.5116A>C on transcript NM_022455.5 (MANE Select); coding-DNA position 5116, A replaced by C.
Protein change: p.Asn1706His; replaces asparagine 1706 with histidine.
Molecular consequence: missense variant.
Genome position (GRCh38, 1-based): chr5:177,260,138, A>C. VCF-style: chr5-177260138-A-C. GRCh37 (hg19) VCF-style: chr5-176687139-A-C.
Other names: c.4243A>C, p.Asn1415His (NM_001365684.2, NM_001409308.1, NM_001409309.1 and 1 more transcripts); c.5116A>C, p.Asn1706His (NM_001409301.1, NM_001409302.1, NM_001409303.1); c.4696A>C, p.Asn1566His (NM_001409304.1); c.4363A>C, p.Asn1455His (NM_001409305.1); c.4354A>C, p.Asn1452His (NM_001409306.1, NM_001409307.1); short protein forms N1706H, N1452H, N1415H, N1455H, N1566H.
Identifiers: ClinVar variation 3667715 (VCV003667715.2).

ClinVar aggregate classification (germline): Uncertain significance (1 of 4 stars; one submission).

Submission:

Labcorp Genetics (formerly Invitae), Labcorp
Classification: Uncertain significance. Last evaluated: 2023-04-26. Review status: criteria provided, single submitter. Criteria: Invitae Variant Classification Sherloc (09022015). Collection method: clinical testing. Allele origin: germline.
Comment: This variant has not been reported in the literature in individuals affected with NSD1-related conditions. Advanced modeling of protein sequence and biophysical properties (such as structural, functional, and spatial information, amino acid conservation, physicochemical variation, residue mobility, and thermodynamic stability) performed at Invitae indicates that this missense variant is expected to disrupt NSD1 protein function. In summary, the available evidence is currently insufficient to determine the role of this variant in disease. Therefore, it has been classified as a Variant of Uncertain Significance. This variant is not present in population databases (gnomAD no frequency). This sequence change replaces asparagine, which is neutral and polar, with histidine, which is basic and polar, at codon 1706 of the NSD1 protein (p.Asn1706His).